The following is an entry in ClinVar:

NM_000322.5(PRPH2):c.829-1_835del

Gene: PRPH2 (peripherin 2; minus strand). Cytogenetic location: 6p21.1.
Variant type: Deletion.
Coding change: c.829-1_835del on transcript NM_000322.5 (MANE Select); the canonical splice acceptor site of the intron before coding-DNA position 829 through coding-DNA position 835, 8 bases deleted (GGTGACCA; older notation c.829-1_835delGGTGACCA).
Molecular consequence: splice acceptor variant.
Genome position (GRCh38, 1-based): chr6:42,698,501-42,698,508, TGGTCACC deleted on the plus strand (GGTGACCA on the coding strand, the reverse complement: PRPH2 is on the minus strand); deleting any 8 consecutive bases within chr6:42,698,501-42,698,512 gives the same sequence; the c. name uses the placement nearest the transcript's 3' end. VCF-style (leftmost placement, unchanged base first): chr6-42698500-ATGGTCACC-A. GRCh37 (hg19) VCF-style: chr6-42666238-ATGGTCACC-A.
Identifiers: ClinVar variation 2110566 (VCV002110566.4), dbSNP rs2548298415, ClinGen allele CA2580074573.

ClinVar aggregate classification (germline): Uncertain significance (1 of 4 stars; one submission).

Conditions:
PRPH2-related disorder. Also called: PRPH2-related condition; PRPH2-related disorders. Identifiers: MedGen CN239395.

Submission:

Labcorp Genetics (formerly Invitae), Labcorp
Classification: Uncertain significance for PRPH2-related disorder. Last evaluated: 2022-03-13. Review status: criteria provided, single submitter. Criteria: Invitae Variant Classification Sherloc (09022015). Collection method: clinical testing. Allele origin: germline.
Comment: This variant results in the deletion of part of exon 3 (c.829-1_835del) of the PRPH2 gene. While this variant is not anticipated to result in nonsense mediated decay, it likely alters RNA splicing and results in a disrupted protein product. In summary, the available evidence is currently insufficient to determine the role of this variant in disease. Therefore, it has been classified as a Variant of Uncertain Significance. Variants that disrupt the consensus splice site are a relatively common cause of aberrant splicing (PMID: 17576681, 9536098). Algorithms developed to predict the effect of sequence changes on RNA splicing suggest that this variant may disrupt the consensus splice site. This variant has not been reported in the literature in individuals affected with PRPH2-related conditions. This variant is not present in population databases (gnomAD no frequency).

Literature cited by the submitters: PubMed 17576681; PubMed 9536098.